The following is an entry in ClinVar:

ClinVar aggregate classification (germline): Uncertain significance (1 of 4 stars; one submission).

Submission:

Labcorp Genetics (formerly Invitae), Labcorp
Classification: Uncertain significance. Last evaluated: 2025-09-10. Review status: criteria provided, single submitter. Criteria: Invitae Variant Classification Sherloc (09022015). Collection method: clinical testing. Allele origin: germline.
Comment: This sequence change replaces alanine, which is neutral and non-polar, with threonine, which is neutral and polar, at codon 708 of the ATR protein (p.Ala708Thr). This variant is not present in population databases (gnomAD no frequency). This variant has not been reported in the literature in individuals affected with ATR-related conditions. An algorithm developed to predict the effect of missense changes on protein structure and function (PolyPhen-2) suggests that this variant is likely to be disruptive. In summary, the available evidence is currently insufficient to determine the role of this variant in disease. Therefore, it has been classified as a Variant of Uncertain Significance.

NM_001184.4(ATR):c.2122G>A (p.Ala708Thr)

Gene: ATR (ATR checkpoint kinase; minus strand). Cytogenetic location: 3q23.
Variant type: single nucleotide variant.
Coding change: c.2122G>A on transcript NM_001184.4 (MANE Select); coding-DNA position 2122, G replaced by A.
Protein change: p.Ala708Thr; replaces alanine 708 with threonine.
Molecular consequence: missense variant.
Genome position (GRCh38, 1-based): chr3:142,556,096, C>T on the plus strand (G>A on the coding strand, the complement: ATR is on the minus strand). VCF-style: chr3-142556096-C-T. GRCh37 (hg19) VCF-style: chr3-142274938-C-T.
Other names: c.1930G>A, p.Ala644Thr (NM_001354579.2); short protein forms A708T, A644T.
Identifiers: ClinVar variation 4726959 (VCV004726959.1).